The following is an entry in ClinVar:

NM_000550.3(TYRP1):c.1278A>G (p.Pro426=)

Genes: LURAP1L-AS1 (LURAP1L antisense RNA 1; minus strand), TYRP1 (tyrosinase related protein 1; plus strand). Cytogenetic location: 9p23.
Variant type: single nucleotide variant.
Coding change: c.1278A>G on transcript NM_000550.3 (MANE Select); coding-DNA position 1278, A replaced by G.
Protein change: p.Pro426=; no amino-acid change (proline 426 retained).
Molecular consequence: synonymous variant.
Genome position (GRCh38, 1-based): chr9:12,708,013, A>G. VCF-style: chr9-12708013-A-G. GRCh37 (hg19) VCF-style: chr9-12708013-A-G.
Identifiers: ClinVar variation 749161 (VCV000749161.17), dbSNP rs138106141, ClinGen allele CA4985514.
Genomic context (GRCh38, chr9:12,708,013, plus strand): 5'-AATTTTATTATGTTTATTAATACGTTGTCTTTGGAATAATTTAGATATATCCACATTTCC[A>G]TTGGAAAATGCCCCTATTGGACATAATAGACAATACAACATGGTGCCATTCTGGCCCCCA-3'
Protein context (NP_000541.1, residues 416-436): RRYNADISTF[Pro426=]LENAPIGHNR

ClinVar aggregate classification (germline): Benign/Likely benign. Review status: criteria provided, multiple submitters, no conflicts (2 of 4 stars). 4 submissions from 4 submitters: Benign (1); Likely benign (3). Last evaluated 2026-01-24.

Conditions:
TYRP1-related disorder. Also called: TYRP1-related condition.

Allele frequency attached by ClinVar (database versions not stated): TOPMed 0.00079; gnomAD 0.00086 and 0.00091; 1000 Genomes Project 0.00120; 1000 Genomes Project 30x 0.00125; ESP Exome Variant Server 0.00131; gnomAD exomes 0.00007 and 0.00024.
gnomAD v4.1: 234 of 1,611,960 alleles (0.015%); highest among the groups gnomAD compares: African/African-American, 0.29%; no homozygotes.

Submissions (4):

Labcorp Genetics (formerly Invitae), Labcorp
Classification: Benign. Last evaluated: 2026-01-24. Review status: criteria provided, single submitter. Criteria: Invitae Variant Classification Sherloc (09022015). Collection method: clinical testing. Allele origin: germline.

CeGaT Center for Human Genetics Tuebingen
Classification: Likely benign. Last evaluated: 2025-10-01. Review status: criteria provided, single submitter. Criteria: CeGaT Center For Human Genetics Tuebingen Variant Classification Criteria Version 2. Collection method: clinical testing. Allele origin: germline. Affected: yes. Observed: 1 variant allele.
Comment: TYRP1: BP4, BP7

PreventionGenetics, part of Exact Sciences
Classification: Likely benign for TYRP1-related condition. Last evaluated: 2025-08-12. Review status: criteria provided, single submitter. Criteria: ACMG Guidelines, 2015. Collection method: clinical testing. Allele origin: germline.
Comment: This variant is classified as likely benign based on ACMG/AMP sequence variant interpretation guidelines (Richards et al. 2015 PMID: 25741868, with internal and published modifications).

Blueprint Genetics
Classification: Likely benign. Last evaluated: 2023-11-28. Review status: criteria provided, single submitter. Criteria: ACMG Guidelines, 2015. Collection method: clinical testing. Allele origin: germline.